The following is an entry in ClinVar:

NM_001165963.4(SCN1A):c.1377+20_1377+21delinsAT

Gene: SCN1A (sodium voltage-gated channel alpha subunit 1; minus strand). Cytogenetic location: 2q24.3.
Variant type: Indel.
Coding change: c.1377+20_1377+21delinsAT on transcript NM_001165963.4 (MANE Select); bases 20 to 21 of the intron after coding-DNA position 1377, TG replaced by AT.
Molecular consequence: intron variant.
Genome position (GRCh38, 1-based): chr2:166,046,749-166,046,750, CA replaced by AT on the plus strand (TG replaced by AT on the coding strand, the reverse complement: SCN1A is on the minus strand). VCF-style: chr2-166046749-CA-AT. GRCh37 (hg19) VCF-style: chr2-166903259-CA-AT.
Other names: c.1377+20_1377+21delinsAT (NM_001353949.2, NM_001353958.2, NM_001353950.2 and 10 more transcripts); c.-1049+20_-1049+21delinsAT (NM_001353961.2).
Identifiers: ClinVar variation 2918305 (VCV002918305.3), dbSNP rs2468179553, ClinGen allele CA2739271494.

ClinVar aggregate classification (germline): Uncertain significance (1 of 4 stars; one submission).

Conditions:
Early-infantile DEE. Also called: Early infantile epileptic encephalopathy; Early infantile epileptic encephalopathy with suppression bursts; Ohtahara syndrome. Identifiers: Orphanet 1934, MedGen C0393706, MONDO:0800491.

Submission:

Labcorp Genetics (formerly Invitae), Labcorp
Classification: Uncertain significance for Early-infantile DEE. Last evaluated: 2023-04-26. Review status: criteria provided, single submitter. Criteria: Invitae Variant Classification Sherloc (09022015). Collection method: clinical testing. Allele origin: germline.
Comment: Information on the frequency of this variant in the gnomAD database is not available, as this variant may be reported differently in the database. In summary, the available evidence is currently insufficient to determine the role of this variant in disease. Therefore, it has been classified as a Variant of Uncertain Significance. Experimental studies and prediction algorithms are not available or were not evaluated, and the effect of this variant on mRNA splicing is currently unknown. This variant has not been reported in the literature in individuals affected with SCN1A-related conditions. This sequence change falls in intron 9 of the SCN1A gene. It does not directly change the encoded amino acid sequence of the SCN1A protein.